The following is an entry in ClinVar:

NM_032119.4(ADGRV1):c.17328G>C (p.Arg5776Ser)

Gene: ADGRV1 (adhesion G protein-coupled receptor V1; plus strand). Cytogenetic location: 5q14.3.
Variant type: single nucleotide variant.
Coding change: c.17328G>C on transcript NM_032119.4 (MANE Select); coding-DNA position 17328, G replaced by C.
Protein change: p.Arg5776Ser; replaces arginine 5776 with serine.
Molecular consequence: missense variant. On other transcripts: non-coding transcript variant (1).
Genome position (GRCh38, 1-based): chr5:90,853,407, G>C. VCF-style: chr5-90853407-G-C. GRCh37 (hg19) VCF-style: chr5-90149224-G-C.
Other names: short protein forms R5776S.
Identifiers: ClinVar variation 2134289 (VCV002134289.4), dbSNP rs1766720475, ClinGen allele CA360430115.

ClinVar aggregate classification (germline): Uncertain significance (1 of 4 stars; one submission).

Allele frequency attached by ClinVar (database versions not stated): TOPMed below 0.00001.

Submission:

Labcorp Genetics (formerly Invitae), Labcorp
Classification: Uncertain significance. Last evaluated: 2022-06-17. Review status: criteria provided, single submitter. Criteria: Invitae Variant Classification Sherloc (09022015). Collection method: clinical testing. Allele origin: germline.
Comment: In summary, the available evidence is currently insufficient to determine the role of this variant in disease. Therefore, it has been classified as a Variant of Uncertain Significance. Algorithms developed to predict the effect of missense changes on protein structure and function (SIFT, PolyPhen-2, Align-GVGD) all suggest that this variant is likely to be tolerated. This variant has not been reported in the literature in individuals affected with ADGRV1-related conditions. This variant is not present in population databases (gnomAD no frequency). This sequence change replaces arginine, which is basic and polar, with serine, which is neutral and polar, at codon 5776 of the ADGRV1 protein (p.Arg5776Ser).